The following is an entry in ClinVar:

ClinVar aggregate classification (germline): Uncertain significance (1 of 4 stars; one submission).

Conditions:
Episodic kinesigenic dyskinesia (EKD). Also called: Paroxysmal kinesigenic dyskinesia. Identifiers: Orphanet 98809, MedGen C1868682, MONDO:0044202.

Submission:

Labcorp Genetics (formerly Invitae), Labcorp
Classification: Uncertain significance for Episodic kinesigenic dyskinesia. Last evaluated: 2020-07-21. Review status: criteria provided, single submitter. Criteria: Invitae Variant Classification Sherloc (09022015). Collection method: clinical testing. Allele origin: germline.
Comment: This sequence change replaces serine with cysteine at codon 28 of the PRRT2 protein (p.Ser28Cys). The serine residue is highly conserved and there is a moderate physicochemical difference between serine and cysteine. In summary, the available evidence is currently insufficient to determine the role of this variant in disease. Therefore, it has been classified as a Variant of Uncertain Significance. Algorithms developed to predict the effect of missense changes on protein structure and function are either unavailable or do not agree on the potential impact of this missense change (SIFT: "Deleterious"; PolyPhen-2: "Possibly Damaging"; Align-GVGD: "Class C0"). This variant has not been reported in the literature in individuals with PRRT2-related conditions. This variant is not present in population databases (ExAC no frequency).

NM_145239.3(PRRT2):c.83C>G (p.Ser28Cys)

Genes: MVP-DT (MVP divergent transcript; minus strand), PRRT2 (proline rich transmembrane protein 2; plus strand). Cytogenetic location: 16p11.2.
Variant type: single nucleotide variant.
Coding change: c.83C>G on transcript NM_145239.3 (MANE Select); coding-DNA position 83, C replaced by G.
Protein change: p.Ser28Cys; replaces serine 28 with cysteine.
Molecular consequence: missense variant.
Genome position (GRCh38, 1-based): chr16:29,813,137, C>G. VCF-style: chr16-29813137-C-G. GRCh37 (hg19) VCF-style: chr16-29824458-C-G.
Other names: c.83C>G, p.Ser28Cys (NM_001256442.2, NM_001256443.2); short protein forms S28C.
Identifiers: ClinVar variation 1044105 (VCV001044105.9), dbSNP rs1900061006, ClinGen allele CA395477207.